The following is an entry in ClinVar:

NM_001385012.1(NBEA):c.6960T>G (p.Phe2320Leu)

Gene: NBEA (neurobeachin; plus strand). Cytogenetic location: 13q13.3.
Variant type: single nucleotide variant.
Coding change: c.6960T>G on transcript NM_001385012.1 (MANE Select); coding-DNA position 6960, T replaced by G.
Protein change: p.Phe2320Leu; replaces phenylalanine 2320 with leucine.
Molecular consequence: missense variant.
Genome position (GRCh38, 1-based): chr13:35,566,942, T>G. VCF-style: chr13-35566942-T-G. GRCh37 (hg19) VCF-style: chr13-36141079-T-G.
Other names: c.339T>G, p.Phe113Leu (NM_001204197.3); c.6951T>G, p.Phe2317Leu (NM_001379245.1); c.6960T>G, p.Phe2320Leu (NM_015678.5); short protein forms F113L, F2317L, F2320L.
Identifiers: ClinVar variation 4533270 (VCV004533270.1).

ClinVar aggregate classification (germline): Uncertain significance (1 of 4 stars; one submission).

Conditions:
Neurodevelopmental disorder with or without early-onset generalized epilepsy. Identifiers: MedGen C5436914, MONDO:0030930, OMIM 619157.

Submission:

Diagnostics Services (NGS), CSIR - Centre For Cellular And Molecular Biology
Classification: Uncertain significance for Neurodevelopmental disorder with or without early-onset generalized epilepsy. Last evaluated: 2025-11-07. Review status: criteria provided, single submitter. Criteria: ACMG Guidelines, 2015. Collection method: clinical testing. Allele origin: germline. Affected: yes. Observed: 1 variant allele, 1 heterozygote.
Comment: The c.6960T>G variant is not present in publicly available population databases like 1000 Genomes, EVS, gnomAD , Indian Exome Database or our internal database. This variant has neither been published in the literature for NBEA-related conditions nor reported to the clinical databases like Human genome Mutation Database (HGMD), OMIM, or ClinVar, in any affected individuals. In-silico pathogenicity prediction programs like SIFT, Polyphen-2, MutationTaster2, CADD, etc predicted this variant to be likely deleterious, however these predictions were not confirmed by published functional studies.